The following is an entry in ClinVar:

NM_007263.4(COPE):c.922G>A (p.Ala308Thr)

Gene: COPE (coat protein complex I subunit epsilon; minus strand). Cytogenetic location: 19p13.11.
Variant type: single nucleotide variant.
Coding change: c.922G>A on transcript NM_007263.4 (MANE Select); coding-DNA position 922, G replaced by A.
Protein change: p.Ala308Thr; replaces alanine 308 with threonine.
Molecular consequence: missense variant.
Genome position (GRCh38, 1-based): chr19:18,899,684, C>T on the plus strand (G>A on the coding strand, the complement: COPE is on the minus strand). VCF-style: chr19-18899684-C-T. GRCh37 (hg19) VCF-style: chr19-19010493-C-T.
Other names: c.991G>A, p.Ala331Thr (NM_001330469.2); c.769G>A, p.Ala257Thr (NM_199442.2); c.766G>A, p.Ala256Thr (NM_199444.2); short protein forms A257T, A331T, A256T, A308T.
Identifiers: ClinVar variation 4838575 (VCV004838575.1).

ClinVar aggregate classification (germline): Uncertain significance (1 of 4 stars; one submission).

gnomAD v4.1: 3 of 1,613,478 alleles (0.00019%); highest among the groups gnomAD compares: Non-Finnish European, 0.00025%; no homozygotes.

Submission:

Ambry Genetics
Classification: Uncertain significance. Last evaluated: 2025-12-26. Review status: criteria provided, single submitter. Criteria: Ambry Variant Classification Scheme 2023. Collection method: clinical testing. Allele origin: germline.
Comment: The c.922G>A (p.A308T) alteration is located in exon 10 (coding exon 10) of the COPE gene. This alteration results from a G to A substitution at nucleotide position 922, causing the alanine (A) at amino acid position 308 to be replaced by a threonine (T). Based on data from gnomAD, the A allele has an overall frequency of <0.001% (1/248996) total alleles studied. The highest observed frequency was 0.001% (1/111532) of European (non-Finnish) alleles. Based on insufficient or conflicting evidence, the clinical significance of this alteration remains unclear.